The following is an entry in ClinVar:

ClinVar aggregate classification (germline): Uncertain significance (1 of 4 stars; one submission).

Conditions:
Severe combined immunodeficiency due to DNA-PKcs deficiency. Also called: IMMUNODEFICIENCY 26 WITH NEUROLOGIC ABNORMALITIES; Immunodeficiency 26 with or without neurologic abnormalities. Identifiers: Orphanet 317425, MedGen C4014833, MONDO:0014423, OMIM 615966.

Allele frequency attached by ClinVar (database versions not stated): gnomAD exomes 0.00011 and 0.00020; gnomAD 0.00014; 1000 Genomes Project 30x 0.00016; TOPMed 0.00017; 1000 Genomes Project 0.00020; ExAC 0.00020; ESP Exome Variant Server 0.00040.
gnomAD v4.1: 307 of 1,613,656 alleles (0.019%); highest among the groups gnomAD compares: South Asian, 0.032%; 1 homozygote.

Submission:

Labcorp Genetics (formerly Invitae), Labcorp
Classification: Uncertain significance for Severe combined immunodeficiency due to DNA-PKcs deficiency. Last evaluated: 2022-05-25. Review status: criteria provided, single submitter. Criteria: Invitae Variant Classification Sherloc (09022015). Collection method: clinical testing. Allele origin: germline.
Comment: This sequence change replaces valine, which is neutral and non-polar, with methionine, which is neutral and non-polar, at codon 3937 of the PRKDC protein (p.Val3937Met). This variant is present in population databases (rs56090750, gnomAD 0.02%). This variant has not been reported in the literature in individuals affected with PRKDC-related conditions. ClinVar contains an entry for this variant (Variation ID: 1016085). Algorithms developed to predict the effect of missense changes on protein structure and function output the following: SIFT: "Not Available"; PolyPhen-2: "Not Available"; Align-GVGD: "Not Available". The methionine amino acid residue is found in multiple mammalian species, which suggests that this missense change does not adversely affect protein function. In summary, the available evidence is currently insufficient to determine the role of this variant in disease. Therefore, it has been classified as a Variant of Uncertain Significance.

NM_006904.7(PRKDC):c.11809G>A (p.Val3937Met)

Gene: PRKDC (protein kinase, DNA-activated, catalytic subunit; minus strand). Cytogenetic location: 8q11.21.
Variant type: single nucleotide variant.
Coding change: c.11809G>A on transcript NM_006904.7 (MANE Select); coding-DNA position 11809, G replaced by A.
Protein change: p.Val3937Met; replaces valine 3937 with methionine.
Molecular consequence: missense variant.
Genome position (GRCh38, 1-based): chr8:47,778,503, C>T on the plus strand (G>A on the coding strand, the complement: PRKDC is on the minus strand). VCF-style: chr8-47778503-C-T. GRCh37 (hg19) VCF-style: chr8-48691064-C-T.
Other names: c.11716G>A, p.Val3906Met (NM_001081640.2); short protein forms V3906M, V3937M.
Identifiers: ClinVar variation 1016085 (VCV001016085.2), dbSNP rs56090750, ClinGen allele CA4738988.